The following is an entry in ClinVar:

ClinVar aggregate classification (germline): Uncertain significance (1 of 4 stars; one submission).

Submission:

Labcorp Genetics (formerly Invitae), Labcorp
Classification: Uncertain significance. Last evaluated: 2023-03-28. Review status: criteria provided, single submitter. Criteria: Invitae Variant Classification Sherloc (09022015). Collection method: clinical testing. Allele origin: germline.
Comment: In summary, the available evidence is currently insufficient to determine the role of this variant in disease. Therefore, it has been classified as a Variant of Uncertain Significance. An algorithm developed to predict the effect of missense changes on protein structure and function (PolyPhen-2) suggests that this variant is likely to be tolerated. This variant has not been reported in the literature in individuals affected with STEAP3-related conditions. This variant is not present in population databases (gnomAD no frequency). This sequence change replaces valine, which is neutral and non-polar, with alanine, which is neutral and non-polar, at codon 201 of the STEAP3 protein (p.Val201Ala).

NM_182915.3(STEAP3):c.632T>C (p.Val211Ala)

Genes: STEAP3 (STEAP3 metalloreductase; plus strand), STEAP3-AS1 (STEAP3 antisense RNA 1; minus strand). Cytogenetic location: 2q14.2.
Variant type: single nucleotide variant.
Coding change: c.632T>C on transcript NM_182915.3 (MANE Select); coding-DNA position 632, T replaced by C.
Protein change: p.Val211Ala; replaces valine 211 with alanine.
Molecular consequence: missense variant.
Genome position (GRCh38, 1-based): chr2:119,247,788, T>C. VCF-style: chr2-119247788-T-C. GRCh37 (hg19) VCF-style: chr2-120005364-T-C.
Other names: c.602T>C, p.Val201Ala (NM_001008410.2, NM_018234.3, NM_138637.3); short protein forms V201A, V211A.
Identifiers: ClinVar variation 2850486 (VCV002850486.3), dbSNP rs2467123064, ClinGen allele CA348341314.